The following is an entry in ClinVar:

NM_003883.4(HDAC3):c.384C>T (p.Asn128=)

Gene: HDAC3 (histone deacetylase 3; minus strand). Cytogenetic location: 5q31.3.
Variant type: single nucleotide variant.
Coding change: c.384C>T on transcript NM_003883.4 (MANE Select); coding-DNA position 384, C replaced by T.
Protein change: p.Asn128=; no amino-acid change (asparagine 128 retained).
Molecular consequence: synonymous variant. On other transcripts: 5 prime UTR variant (2), non-coding transcript variant (6).
Genome position (GRCh38, 1-based): chr5:141,629,896, G>A on the plus strand (C>T on the coding strand, the complement: HDAC3 is on the minus strand). VCF-style: chr5-141629896-G-A. GRCh37 (hg19) VCF-style: chr5-141009463-G-A.
Other names: c.384C>T, p.Asn128= (NM_001355039.2); c.-20C>T (NM_001355040.2); c.-178C>T (NM_001355041.2).
Identifiers: ClinVar variation 3778173 (VCV003778173.7).
Genomic context (GRCh38, chr5:141,629,896, plus strand): 5'-CTTTCCCATCACCTCCTCACTCACCTCAAACTTCTTGGCATGGTGCAGACCACCAGCCCA[G>A]TTAATGGCAATATCACAGATCTGAAAGACAAACACCTAAGTCACAGTCCTTCCTGCCCAC-3'
Protein context (NP_003874.2, residues 118-138): LNNKICDIAI[Asn128=]WAGGLHHAKK

ClinVar aggregate classification (germline): Likely benign (1 of 4 stars; one submission).

gnomAD v4.1: 12 of 1,614,036 alleles (0.00074%); highest among the groups gnomAD compares: Middle Eastern, 0.016%; no homozygotes.

Submission:

CeGaT Center for Human Genetics Tuebingen
Classification: Likely benign. Last evaluated: 2025-03-01. Review status: criteria provided, single submitter. Criteria: CeGaT Center For Human Genetics Tuebingen Variant Classification Criteria Version 2. Collection method: clinical testing. Allele origin: germline. Affected: yes. Observed: 1 variant allele.
Comment: HDAC3: BP4, BP7